The following is an entry in ClinVar:

ClinVar aggregate classification (germline): Uncertain significance (1 of 4 stars; one submission).

Conditions:
Fetal akinesia deformation sequence 1 (FADS1). Also called: Pena-Shokeir syndrome type I; Fetal akinesia sequence. Identifiers: Orphanet 994, MedGen C1276035, MONDO:0100101, OMIM 208150, HP:0001989.
Congenital myasthenic syndrome 10. Also called: Myasthenia, limb-girdle, familial. Identifiers: Orphanet 590, MedGen C1850792, MONDO:0009690, OMIM 254300.

Allele frequency attached by ClinVar (database versions not stated): gnomAD exomes below 0.00001; TOPMed below 0.00001; ExAC 0.00001; gnomAD 0.00001.
gnomAD v4.1: 6 of 1,610,658 alleles (0.00037%); highest among the groups gnomAD compares: African/African-American, 0.004%; no homozygotes.

Submission:

Labcorp Genetics (formerly Invitae), Labcorp
Classification: Uncertain significance for Congenital myasthenic syndrome 10; Fetal akinesia deformation sequence 1. Last evaluated: 2022-03-18. Review status: criteria provided, single submitter. Criteria: Invitae Variant Classification Sherloc (09022015). Collection method: clinical testing. Allele origin: germline.
Comment: This sequence change replaces proline, which is neutral and non-polar, with leucine, which is neutral and non-polar, at codon 493 of the DOK7 protein (p.Pro493Leu). The frequency data for this variant in the population databases is considered unreliable, as metrics indicate poor data quality at this position in the gnomAD database. This variant has not been reported in the literature in individuals affected with DOK7-related conditions. ClinVar contains an entry for this variant (Variation ID: 580182). Algorithms developed to predict the effect of missense changes on protein structure and function are either unavailable or do not agree on the potential impact of this missense change (SIFT: "Deleterious"; PolyPhen-2: "Benign"; Align-GVGD: "Class C0"). In summary, the available evidence is currently insufficient to determine the role of this variant in disease. Therefore, it has been classified as a Variant of Uncertain Significance.

NM_173660.5(DOK7):c.1478C>T (p.Pro493Leu)

Gene: DOK7 (docking protein 7; plus strand). Cytogenetic location: 4p16.3.
Variant type: single nucleotide variant.
Coding change: c.1478C>T on transcript NM_173660.5 (MANE Select); coding-DNA position 1478, C replaced by T.
Protein change: p.Pro493Leu; replaces proline 493 with leucine.
Molecular consequence: missense variant. On other transcripts: 3 prime UTR variant (1).
Genome position (GRCh38, 1-based): chr4:3,493,464, C>T. VCF-style: chr4-3493464-C-T. GRCh37 (hg19) VCF-style: chr4-3495191-C-T.
Other names: c.*699C>T (NM_001164673.2); c.548C>T, p.Pro183Leu (NM_001256896.2); c.1478C>T, p.Pro493Leu (NM_001301071.2); c.1046C>T, p.Pro349Leu (NM_001363811.2); short protein forms P493L, P183L, P349L.
Identifiers: ClinVar variation 580182 (VCV000580182.3), dbSNP rs773679215, ClinGen allele CA2829543.